The following is an entry in ClinVar:

ClinVar aggregate classification (germline): Uncertain significance (1 of 4 stars; one submission).

Conditions:
Methylmalonic aciduria, cblA type (MACA). Also called: Methylmalonic aciduria, vitamin b12-responsive, due to defect in synthesis of adenosylcobalamin, cbla complementation type; MMA cbl A type; Methylmalonic acidemia cblA type; Methylmalonic aciduria, vitamin B12-responsive; Vitamin B12-responsive methylmalonic acidemia type cblA. Identifiers: Orphanet 28, Orphanet 79310, MedGen C1855109, MONDO:0009613, OMIM 251100.

Allele frequency attached by ClinVar (database versions not stated): gnomAD exomes below 0.00001; gnomAD 0.00001; TOPMed 0.00002.
gnomAD v4.1: 4 of 1,614,076 alleles (0.00025%); highest among the groups gnomAD compares: African/African-American, 0.004%; no homozygotes.

Submission:

Labcorp Genetics (formerly Invitae), Labcorp
Classification: Uncertain significance for Methylmalonic aciduria, cblA type. Last evaluated: 2022-07-14. Review status: criteria provided, single submitter. Criteria: Invitae Variant Classification Sherloc (09022015). Collection method: clinical testing. Allele origin: germline.
Comment: This sequence change replaces lysine, which is basic and polar, with arginine, which is basic and polar, at codon 62 of the MMAA protein (p.Lys62Arg). This variant is present in population databases (no rsID available, gnomAD 0.007%). This variant has not been reported in the literature in individuals affected with MMAA-related conditions. Advanced modeling of protein sequence and biophysical properties (such as structural, functional, and spatial information, amino acid conservation, physicochemical variation, residue mobility, and thermodynamic stability) performed at Invitae indicates that this missense variant is not expected to disrupt MMAA protein function. In summary, the available evidence is currently insufficient to determine the role of this variant in disease. Therefore, it has been classified as a Variant of Uncertain Significance.

NM_172250.3(MMAA):c.185A>G (p.Lys62Arg)

Gene: MMAA (metabolism of cobalamin associated A; plus strand). Cytogenetic location: 4q31.21.
Variant type: single nucleotide variant.
Coding change: c.185A>G on transcript NM_172250.3 (MANE Select); coding-DNA position 185, A replaced by G.
Protein change: p.Lys62Arg; replaces lysine 62 with arginine.
Molecular consequence: missense variant.
Genome position (GRCh38, 1-based): chr4:145,639,324, A>G. VCF-style: chr4-145639324-A-G. GRCh37 (hg19) VCF-style: chr4-146560476-A-G.
Other names: c.185A>G, p.Lys62Arg (NM_001375644.1); short protein forms K62R.
Identifiers: ClinVar variation 2160127 (VCV002160127.1), dbSNP rs1417362612, ClinGen allele CA358352013.